The following is an entry in ClinVar:

NM_004544.4(NDUFA10):c.75+249_75+250del

Gene: NDUFA10 (NADH:ubiquinone oxidoreductase subunit A10; minus strand). Cytogenetic location: 2q37.3.
Variant type: Deletion.
Coding change: c.75+249_75+250del on transcript NM_004544.4 (MANE Select); bases 249 to 250 of the intron after coding-DNA position 75, 2 bases deleted (AG; older notation c.75+249_75+250delAG).
Molecular consequence: intron variant.
Genome position (GRCh38, 1-based): chr2:240,024,977-240,024,978, CT deleted on the plus strand (AG on the coding strand, the reverse complement: NDUFA10 is on the minus strand). VCF-style (leftmost placement, unchanged base first): chr2-240024976-CCT-C. GRCh37 (hg19) VCF-style: chr2-240964393-CCT-C.
Other names: c.75+249_75+250del (NM_001322020.2, NM_001322019.2).
Identifiers: ClinVar variation 669506 (VCV000669506.1), dbSNP rs34936508, ClinGen allele CA68072594.

ClinVar aggregate classification (germline): Benign (1 of 4 stars; one submission).

Allele frequency attached by ClinVar (database versions not stated): 1000 Genomes Project 30x 0.69675; TOPMed 0.69743; gnomAD 0.69749 and 0.70342; 1000 Genomes Project 0.69928.

Submission:

GeneDx
Classification: Benign. Last evaluated: 2018-06-14. Review status: criteria provided, single submitter. Criteria: GeneDx Variant Classification (06012015). Collection method: clinical testing. Allele origin: germline. Affected: yes.
Comment: This variant is considered likely benign or benign based on one or more of the following criteria: it is a conservative change, it occurs at a poorly conserved position in the protein, it is predicted to be benign by multiple in silico algorithms, and/or has population frequency not consistent with disease.